The following continues an entry in ClinVar:

NM_032043.3(BRIP1):c.3103C>T (p.Arg1035Cys)

Gene: BRIP1. ClinVar aggregate classification (germline): Conflicting classifications of pathogenicity. Uncertain significance (6); Benign (5); Likely benign (6).

Submissions 17 to 21 of 21:

Neuberg Centre For Genomic Medicine, NCGM
Classification: Uncertain significance for Familial cancer of breast. Review status: criteria provided, single submitter. Criteria: ACMG Guidelines, 2015. Collection method: clinical testing. Allele origin: germline. Inheritance: Autosomal dominant inheritance. Affected: yes.
Comment: Variants in gene BRIP1 have been observed in individuals affected with Ovarian Cancer (Moyer et al, 2020 ). There is a large physicochemical difference between arginine and cysteine, which is likely to impact secondary protein structure as these residues differ in polarity, charge, size and/or other properties. In silico tools predict the variant to be tolerated. For these reasons, this variant has been classified as Uncertain Significance.

PreventionGenetics, part of Exact Sciences
Classification: Benign for BRIP1-related condition. Last evaluated: 2019-07-09. Review status: no assertion criteria provided. Collection method: clinical testing. Allele origin: germline. Not counted in ClinVar's aggregate classification.
Comment: This variant is classified as benign based on ACMG/AMP sequence variant interpretation guidelines (Richards et al. 2015 PMID: 25741868, with internal and published modifications).

Counsyl
Classification: Uncertain significance for Fanconi anemia complementation group J. Last evaluated: 2016-10-21. Review status: no assertion criteria provided. Collection method: clinical testing. Allele origin: unknown. Not counted in ClinVar's aggregate classification.

Counsyl
Classification: Uncertain significance for Ovarian cancer. Last evaluated: 2016-10-21. Review status: no assertion criteria provided. Collection method: clinical testing. Allele origin: unknown. Not counted in ClinVar's aggregate classification.

Department of Pathology and Laboratory Medicine, Sinai Health System
Classification: Uncertain significance for Malignant tumor of breast. Review status: no assertion criteria provided. Collection method: clinical testing. Allele origin: unknown. Affected: yes. Study: The Canadian Open Genetics Repository (COGR). Not counted in ClinVar's aggregate classification.
Comment: The BRIP1 p.Arg1035Cys variant was identified in 1 of 26426 proband chromosomes (frequency: 3.78 E-05) from individuals or families with breast cancer and was not identified in 10484 control chromosomes from healthy individuals (Easton 2016). The variant was also identified in the following databases: dbSNP (ID: rs45437094) as With Uncertain significance allele, ClinVar with conflicting interpretations of pathogenicity (as likely benign by Invitae, and as uncertain significance by Ambry Genetics, Gene Dx and Counsyl), Clinvitae (5x), and Zhejiang Colon Cancer Database (1x). The variant was not identified in Cosmic, and MutDB databases. The variant was identified in control databases in 149 of 277168 chromosomes at a frequency of 0.000538 in the following populations: South Asian in 135 of 30782 chromosomes (freq. 0.004), Other in 149 of 6466 chromosomes (freq. 0.00016), European (Non-Finnish) in 11 of 126676 chromosomes (freq. 0.000087), East Asian in 1 of 18858 chromosomes (freq. 0.00005), and Latino in 1 of 34418 chromosomes (freq. 0.000029) (Genome Aggregation Consortium Feb 27, 2017). The p.Arg1035Cys residue is not conserved in mammals and computational analyses (PolyPhen-2, SIFT, AlignGVGD, BLOSUM, MutationTaster) provide inconsistent predictions regarding the impact to the protein; this information is not very predictive of pathogenicity. The variant occurs outside of the splicing consensus sequence and in silico or computational prediction software programs (SpliceSiteFinder, MaxEntScan, NNSPLICE, GeneSplicer, HumanSpliceFinder) do not predict a difference in splicing. In summary, based on the above information the clinical significance of this variant cannot be determined with certainty at this time. This variant is classified as a variant of uncertain significance.

Literature cited by the submitters: PubMed 26315354 (cited by 3 submitters); PubMed 21279724 (cited by 3 submitters); PubMed 28767289 (cited by Ambry Genetics); PubMed 29641532 (cited by Ambry Genetics); PubMed 17033622 (cited by 3 submitters); PubMed 26921362 (cited by Quest Diagnostics Nichols Institute San Juan Capistrano and Counsyl); PubMed 26635394 (cited by Counsyl); PubMed 25722345 (cited by Counsyl).